The following is an entry in ClinVar:

NM_000486.6(AQP2):c.646T>C (p.Ser216Pro)

Genes: AQP2 (aquaporin 2; plus strand), AQP5-AS1 (AQP5 and AQP2 antisense RNA 2; minus strand). Cytogenetic location: 12q13.12.
Variant type: single nucleotide variant.
Coding change: c.646T>C on transcript NM_000486.6 (MANE Select); coding-DNA position 646, T replaced by C.
Protein change: p.Ser216Pro; replaces serine 216 with proline.
Molecular consequence: missense variant.
Genome position (GRCh38, 1-based): chr12:49,955,438, T>C. VCF-style: chr12-49955438-T-C. GRCh37 (hg19) VCF-style: chr12-50349221-T-C.
Other names: short protein forms S216P.
Identifiers: ClinVar variation 17829 (VCV000017829.6), dbSNP rs104894329, ClinGen allele CA127466.

ClinVar aggregate classification (germline): Likely pathogenic. Review status: criteria provided, single submitter (1 of 4 stars). 2 submissions from 2 submitters: Likely pathogenic (1). 1 of the submissions does not count toward it. Last evaluated 2025-04-21.

Conditions:
Nephrogenic diabetes insipidus. Identifiers: Orphanet 223, MedGen C0162283, MONDO:0016383, HP:0009806.
Diabetes insipidus, nephrogenic, autosomal (NDI2). Also called: Nephrogenic Diabetes Insipidus, Type II; Diabetes insipidus, nephrogenic, 2, autosomal. Identifiers: Orphanet 223, MedGen C1563706, MONDO:0007451, OMIM 125800.

gnomAD v4.1: 3 of 1,612,646 alleles (0.00019%); highest among the groups gnomAD compares: Non-Finnish European, 0.00025%; no homozygotes.

Submissions (2):

Women's Health and Genetics/Laboratory Corporation of America, LabCorp
Classification: Likely pathogenic for Nephrogenic diabetes insipidus. Last evaluated: 2025-04-21. Review status: criteria provided, single submitter. Criteria: LabCorp Variant Classification Summary - May 2015. Collection method: clinical testing. Allele origin: germline.
Comment: Variant summary: AQP2 c.646T>C (p.Ser216Pro) results in a non-conservative amino acid change in the encoded protein sequence. Five of five in-silico tools predict a damaging effect of the variant on protein function. The variant allele was found at a frequency of 1.9e-06 in 1612646 control chromosomes. c.646T>C has been observed in individual(s) affected with Nephrogenic Diabetes Insipidus (Vargas-Poussou_1997, Deen_1994). These data indicate that the variant may be associated with disease. At least one publication reports experimental evidence evaluating an impact on protein function. The most pronounced variant effect results in nonfunctional channel protein (Deen_1994). The following publications have been ascertained in the context of this evaluation (PMID: 9402087, 8140421, 10026829). ClinVar contains an entry for this variant (Variation ID: 17829). Based on the evidence outlined above, the variant was classified as likely pathogenic.

OMIM
Classification: Pathogenic for DIABETES INSIPIDUS, NEPHROGENIC, 2, AUTOSOMAL RECESSIVE. Last evaluated: 2021-06-24. Review status: no assertion criteria provided. Collection method: literature only. Allele origin: germline. Not counted in ClinVar's aggregate classification.

Literature cited by the submitters: PubMed 9402087 (cited by Women's Health and Genetics/Laboratory Corporation of America, LabCorp); PubMed 8140421 (cited by Women's Health and Genetics/Laboratory Corporation of America, LabCorp); PubMed 10026829 (cited by Women's Health and Genetics/Laboratory Corporation of America, LabCorp); PubMed 7537761 (cited by OMIM).